The following is an entry in ClinVar:

ClinVar aggregate classification (germline): Likely pathogenic (3 of 4 stars; one submission).

Conditions:
PIK3R1-related immunodeficiency and SHORT syndrome. Identifiers: MedGen CN379774, MONDO:1060136.

Submissions (3):

ClinGen Primary Immune Regulatory Disorders Variant Curation Expert Panel, ClinGen
Classification: Likely pathogenic for PIK3R1-related immunodeficiency and SHORT syndrome. Last evaluated: 2026-05-19. Review status: reviewed by expert panel. Criteria: ClinGen AbDef ACMG Specifications PIK3R1 V1.0.0. Collection method: curation. Allele origin: germline. Inheritance: Autosomal dominant inheritance.
Comment: NM_181523.3(PIK3R1):c.1299+2T>C is a canonical splice variant in intron 10 that is predicted to cause skipping of out-of-frame exon 10 and to lead to nonsense-mediated decay of all three disease-relevant transcripts (PVS1). Two ClinVar submissions of functional data from RNA-seq experiments indicate that the presence of the variant correlates with retention of intron 10 in the transcripts produced (ClinVar Accession #: SCV002072447.3, SCV006640876.1). No cases of the variant present in the germline and segregating in PIK3R1-related immunodeficiency and SHORT syndrome were found in the literature. This variant is absent from gnomAD v4.1.0 (PM2_Supporting). In summary, this variant meets the criteria to be classified as Likely Pathogenic for autosomal dominant PIK3R1-related immunodeficiency and SHORT syndrome based on the ACMG/AMP criteria applied, as specified by the ClinGen Antibody Deficiencies VCEP: PVS1 and PM2_Supporting. (VCEP specifications version 1.0.0; date of approval 04/29/2026).

Dr. Peter K. Rogan Lab, Western University
No classification provided (evidence only). Condition: Uterine corpus endometrial carcinoma. Review status: no classification provided. Collection method: in vitro. Allele origin: not applicable. Functional consequence: retained intron. Not counted in ClinVar's aggregate classification.

MutSpliceDB: a database of splice sites variants effects on splicing, NIH
No classification provided (evidence only). Review status: no classification provided. Collection method: in vivo. Allele origin: not applicable. Functional consequence: retained intron. Not counted in ClinVar's aggregate classification.

NM_181523.3(PIK3R1):c.1299+2T>C

Gene: PIK3R1 (phosphoinositide-3-kinase regulatory subunit 1; plus strand). Cytogenetic location: 5q13.1.
Variant type: single nucleotide variant.
Coding change: c.1299+2T>C on transcript NM_181523.3 (MANE Select); the canonical splice donor site of the intron after coding-DNA position 1299, T replaced by C.
Molecular consequence: splice donor variant.
Genome position (GRCh38, 1-based): chr5:68,293,485, T>C. VCF-style: chr5-68293485-T-C. GRCh37 (hg19) VCF-style: chr5-67589313-T-C.
Other names: NM_181523.3:c.1299+2T>C; NC_000005.9:g.67589313T>C; c.399+2T>C (NM_181524.2); c.489+2T>C (NM_181504.4); c.210+2T>C (NM_001242466.2).
Identifiers: ClinVar variation 1338736 (VCV001338736.5), dbSNP rs2112260009, ClinGen allele CA359880010.
Genomic context (GRCh38, chr5:68,293,485, plus strand): 5'-CTCAGTATAATCCCAAATTGGATGTGAAATTACTTTATCCAGTATCCAAATACCAACAGG[T>C]AATAAAAACTGAATGAATTATCCAGTTACGATGTTTAGACAAGATCCTTTTAATACTTAG-3'